The following is an entry in ClinVar:

ClinVar aggregate classification (germline): Uncertain significance. Review status: criteria provided, multiple submitters, no conflicts (2 of 4 stars). 3 submissions from 3 submitters: Uncertain significance (3). Last evaluated 2026-02-11.

gnomAD v4.1: 29 of 1,613,866 alleles (0.0018%); highest among the groups gnomAD compares: Admixed American, 0.0083%; no homozygotes.

Submissions (3):

Women's Health and Genetics/Laboratory Corporation of America, LabCorp
Classification: Uncertain significance. Last evaluated: 2026-02-11. Review status: criteria provided, single submitter. Criteria: LabCorp Variant Classification Summary - May 2015. Collection method: clinical testing. Allele origin: germline.
Comment: Variant summary: KARS1 c.919G>A (p.Val307Met) results in a conservative amino acid change in the encoded protein sequence. Algorithms developed to predict the effect of missense changes on protein structure and function are either unavailable or do not agree on the potential impact of this missense change. The variant allele was found at a frequency of 1.8e-05 in 1613866 control chromosomes. This frequency is not significantly higher than estimated for disease-causing variants in KARS1, allowing no conclusion about variant significance. To our knowledge, no occurrence of c.919G>A in individuals affected with KARS1-related conditions and no experimental evidence demonstrating its impact on protein function have been reported. ClinVar contains an entry for this variant (Variation ID: 3777302). Based on the evidence outlined above, the variant was classified as uncertain significance.

GeneDx
Classification: Uncertain significance. Last evaluated: 2024-10-10. Review status: criteria provided, single submitter. Criteria: GeneDx Variant Classification Process June 2021. Collection method: clinical testing. Allele origin: germline. Affected: yes.
Comment: In silico analysis indicates that this missense variant does not alter protein structure/function; Has not been previously published as pathogenic or benign to our knowledge

Blueprint Genetics
Classification: Uncertain significance. Last evaluated: 2021-04-20. Review status: criteria provided, single submitter. Criteria: ACMG Guidelines, 2015. Collection method: clinical testing. Allele origin: germline.

NM_005548.3(KARS1):c.835G>A (p.Val279Met)

Gene: KARS1 (lysyl-tRNA synthetase 1; minus strand). Cytogenetic location: 16q23.1.
Variant type: single nucleotide variant.
Coding change: c.835G>A on transcript NM_005548.3 (MANE Select); coding-DNA position 835, G replaced by A.
Protein change: p.Val279Met; replaces valine 279 with methionine.
Molecular consequence: missense variant.
Genome position (GRCh38, 1-based): chr16:75,634,253, C>T on the plus strand (G>A on the coding strand, the complement: KARS1 is on the minus strand). VCF-style: chr16-75634253-C-T. GRCh37 (hg19) VCF-style: chr16-75668151-C-T.
Other names: c.919G>A, p.Val307Met (NM_001130089.2); c.367G>A, p.Val123Met (NM_001378148.1); short protein forms V123M, V279M, V307M.
Identifiers: ClinVar variation 3777302 (VCV003777302.3).
Genomic context (GRCh38, chr16:75,634,253, plus strand): 5'-CAATTCTCATATATAAGTTCATGTCCAGCTCGTTGTGATAAGTGATGAAAGGCTTGGCCA[C>T]GGCTCCCCCTGGGATGATGTTCATCATGGGAGTTTCAATCTAAAAAAGGCAGGGAGAAAC-3'
Protein context (NP_005539.1, residues 269-289): PMMNIIPGGA[Val279Met]AKPFITYHNE